The following is an entry in ClinVar:

NM_004247.4(EFTUD2):c.2042A>G (p.Lys681Arg)

Gene: EFTUD2 (elongation factor Tu GTP binding domain containing 2; minus strand). Cytogenetic location: 17q21.31.
Variant type: single nucleotide variant.
Coding change: c.2042A>G on transcript NM_004247.4 (MANE Select); coding-DNA position 2042, A replaced by G.
Protein change: p.Lys681Arg; replaces lysine 681 with arginine.
Molecular consequence: missense variant.
Genome position (GRCh38, 1-based): chr17:44,857,078, T>C on the plus strand (A>G on the coding strand, the complement: EFTUD2 is on the minus strand). VCF-style: chr17-44857078-T-C. GRCh37 (hg19) VCF-style: chr17-42934446-T-C.
Other names: c.2042A>G (NM_004247.3); c.1937A>G, p.Lys646Arg (NM_001142605.2); c.2042A>G, p.Lys681Arg (NM_001258353.2); c.2012A>G, p.Lys671Arg (NM_001258354.2); short protein forms K681R, K646R, K671R.
Identifiers: ClinVar variation 1380201 (VCV001380201.9), dbSNP rs144798973, ClinGen allele CA8607615.

ClinVar aggregate classification (germline): Conflicting classifications of pathogenicity. Review status: criteria provided, conflicting classifications (1 of 4 stars). 2 submissions from 2 submitters: Uncertain significance (1); Likely benign (1). Last evaluated 2024-01-28.

Conditions:
Inborn genetic diseases. Identifiers: MedGen C0950123, MeSH D030342.

Allele frequency attached by ClinVar (database versions not stated): gnomAD exomes 0.00001 and 0.00004; ExAC 0.00002; TOPMed 0.00003; gnomAD 0.00006; ESP Exome Variant Server 0.00008; 1000 Genomes Project 30x 0.00016; 1000 Genomes Project 0.00020.
gnomAD v4.1: 69 of 1,613,736 alleles (0.0043%); highest among the groups gnomAD compares: Non-Finnish European, 0.0056%; no homozygotes.

Submissions (2):

Labcorp Genetics (formerly Invitae), Labcorp
Classification: Uncertain significance. Last evaluated: 2024-01-28. Review status: criteria provided, single submitter. Criteria: Invitae Variant Classification Sherloc (09022015). Collection method: clinical testing. Allele origin: germline.
Comment: This sequence change replaces lysine, which is basic and polar, with arginine, which is basic and polar, at codon 681 of the EFTUD2 protein (p.Lys681Arg). This variant is present in population databases (rs144798973, gnomAD 0.004%). This variant has not been reported in the literature in individuals affected with EFTUD2-related conditions. ClinVar contains an entry for this variant (Variation ID: 1380201). Advanced modeling of protein sequence and biophysical properties (such as structural, functional, and spatial information, amino acid conservation, physicochemical variation, residue mobility, and thermodynamic stability) performed at Invitae indicates that this missense variant is not expected to disrupt EFTUD2 protein function with a negative predictive value of 80%. In summary, the available evidence is currently insufficient to determine the role of this variant in disease. Therefore, it has been classified as a Variant of Uncertain Significance.

Ambry Genetics
Classification: Likely benign for Inborn genetic diseases. Last evaluated: 2022-02-14. Review status: criteria provided, single submitter. Criteria: Ambry Variant Classification Scheme 2023. Collection method: clinical testing. Allele origin: germline.